The following is an entry in ClinVar:

NM_005431.2(XRCC2):c.40-5A>G

Gene: XRCC2 (X-ray repair cross complementing 2; minus strand). Cytogenetic location: 7q36.1.
Variant type: single nucleotide variant.
Coding change: c.40-5A>G on transcript NM_005431.2 (MANE Select); 5 bases into the intron before coding-DNA position 40, A replaced by G.
Molecular consequence: intron variant.
Genome position (GRCh38, 1-based): chr7:152,660,787, T>C on the plus strand (A>G on the coding strand, the complement: XRCC2 is on the minus strand). VCF-style: chr7-152660787-T-C. GRCh37 (hg19) VCF-style: chr7-152357872-T-C.
Identifiers: ClinVar variation 1737443 (VCV001737443.6), dbSNP rs780998300, ClinGen allele CA4582420.

ClinVar aggregate classification (germline): Conflicting classifications of pathogenicity. Review status: criteria provided, conflicting classifications (1 of 4 stars). 2 submissions from 2 submitters: Uncertain significance (1); Likely benign (1). Last evaluated 2023-12-08.

Conditions:
Hereditary cancer-predisposing syndrome. Also called: Neoplastic Syndromes, Hereditary; Tumor predisposition; Hereditary Cancer Syndrome; Hereditary neoplastic syndrome. Identifiers: Orphanet 140162, MedGen C0027672, MeSH D009386, MONDO:0015356.

Allele frequency attached by ClinVar (database versions not stated): gnomAD exomes below 0.00001.
gnomAD v4.1: 5 of 1,603,114 alleles (0.00031%); highest among the groups gnomAD compares: Non-Finnish European, 0.00043%; no homozygotes.

Submissions (2):

Labcorp Genetics (formerly Invitae), Labcorp
Classification: Likely benign. Last evaluated: 2023-12-08. Review status: criteria provided, single submitter. Criteria: Invitae Variant Classification Sherloc (09022015). Collection method: clinical testing. Allele origin: germline.

Ambry Genetics
Classification: Uncertain significance for Hereditary cancer-predisposing syndrome. Last evaluated: 2023-05-17. Review status: criteria provided, single submitter. Criteria: Ambry Variant Classification Scheme 2023. Collection method: clinical testing. Allele origin: germline.
Comment: The c.40-5A>G intronic variant results from an A to G substitution 5 nucleotides upstream from coding exon 2 in the XRCC2 gene. This nucleotide position is poorly conserved in available vertebrate species. In silico splice site analysis predicts that this alteration will not have any significant effect on splicing. Since supporting evidence is limited at this time, the clinical significance of this alteration remains unclear.